The following is an entry in ClinVar:

NM_002485.5(NBN):c.1932G>A (p.Gln644=)

Gene: NBN (nibrin; minus strand). Cytogenetic location: 8q21.3.
Variant type: single nucleotide variant.
Coding change: c.1932G>A on transcript NM_002485.5 (MANE Select); coding-DNA position 1932, G replaced by A.
Protein change: p.Gln644=; no amino-acid change (glutamine 644 retained).
Molecular consequence: synonymous variant.
Genome position (GRCh38, 1-based): chr8:89,946,278, C>T on the plus strand (G>A on the coding strand, the complement: NBN is on the minus strand). VCF-style: chr8-89946278-C-T. GRCh37 (hg19) VCF-style: chr8-90958506-C-T.
Other names: c.1686G>A, p.Gln562= (NM_001024688.3).
Identifiers: ClinVar variation 383703 (VCV000383703.18), dbSNP rs754783870, ClinGen allele CA4802638.
Genomic context (GRCh38, chr8:89,946,278, plus strand): 5'-AATCACCAGTGATCTAAATTCAGTCAATAACAGCTTTTTTGGAAGCATCTCACTATCATC[C>T]TGAAGTTTGTCATTGTTCTTAAATGGGGTTAAGATGGATAGGTAAGAAAGAGAAGAAATA-3'
Protein context (NP_002476.2, residues 634-654): AKEISNNDKL[Gln644=]DDSEMLPKKL

ClinVar aggregate classification (germline): Likely benign. Review status: criteria provided, multiple submitters, no conflicts (2 of 4 stars). 3 submissions from 3 submitters: Likely benign (3). Last evaluated 2023-09-26.

Conditions:
Hereditary cancer-predisposing syndrome. Also called: Neoplastic Syndromes, Hereditary; Hereditary neoplastic syndrome; Tumor predisposition; Hereditary Cancer Syndrome. Identifiers: Orphanet 140162, MedGen C0027672, MeSH D009386, MONDO:0015356.
Microcephaly, normal intelligence and immunodeficiency (NBS). Also called: BERLIN BREAKAGE SYNDROME; Immunodeficiency, microcephaly with normal intelligence; Nijmegen breakage syndrome; Microcephaly with normal intelligence immunodeficiency and lymphoreticular malignancies; Nonsyndromal microcephaly autosomal recessive with normal intelligence; Seemanova syndrome 2. Identifiers: Orphanet 647, MedGen C0398791, MONDO:0009623, OMIM 251260.

Allele frequency attached by ClinVar (database versions not stated): gnomAD exomes below 0.00001 and 0.00001; ExAC 0.00001; gnomAD 0.00001.
gnomAD v4.1: 5 of 1,583,098 alleles (0.00032%); highest among the groups gnomAD compares: South Asian, 0.0022%; no homozygotes.

Submissions (3):

Labcorp Genetics (formerly Invitae), Labcorp
Classification: Likely benign for Microcephaly, normal intelligence and immunodeficiency. Last evaluated: 2023-09-26. Review status: criteria provided, single submitter. Criteria: Invitae Variant Classification Sherloc (09022015). Collection method: clinical testing. Allele origin: germline.

Ambry Genetics
Classification: Likely benign for Hereditary cancer-predisposing syndrome. Last evaluated: 2018-03-15. Review status: criteria provided, single submitter. Criteria: Ambry Variant Classification Scheme 2023. Collection method: clinical testing. Allele origin: germline.

GeneDx
Classification: Likely benign. Last evaluated: 2017-09-16. Review status: criteria provided, single submitter. Criteria: GeneDx Variant Classification (06012015). Collection method: clinical testing. Allele origin: germline. Affected: yes.
Comment: This variant is considered likely benign or benign based on one or more of the following criteria: it is a conservative change, it occurs at a poorly conserved position in the protein, it is predicted to be benign by multiple in silico algorithms, and/or has population frequency not consistent with disease.